The following is an entry in ClinVar:

NM_001204077.2(UBE4A):c.296-5C>T

Gene: UBE4A (ubiquitination factor E4A; plus strand). Cytogenetic location: 11q23.3.
Variant type: single nucleotide variant.
Coding change: c.296-5C>T on transcript NM_001204077.2 (MANE Select); 5 bases into the intron before coding-DNA position 296, C replaced by T.
Molecular consequence: intron variant.
Genome position (GRCh38, 1-based): chr11:118,369,418, C>T. VCF-style: chr11-118369418-C-T. GRCh37 (hg19) VCF-style: chr11-118240133-C-T.
Other names: c.296-5C>T (NM_004788.4).
Identifiers: ClinVar variation 4083674 (VCV004083674.8).

ClinVar aggregate classification (germline): Likely benign (1 of 4 stars; one submission).

gnomAD v4.1: 740 of 1,610,310 alleles (0.046%); highest among the groups gnomAD compares: Middle Eastern, 0.38%; 4 homozygotes.

Submission:

CeGaT Center for Human Genetics Tuebingen
Classification: Likely benign. Last evaluated: 2026-08-01. Review status: criteria provided, single submitter. Criteria: CeGaT Center For Human Genetics Tuebingen Variant Classification Criteria Version 2. Collection method: clinical testing. Allele origin: germline. Affected: yes. Observed: 2 variant alleles.
Comment: UBE4A: BP4